The following is an entry in ClinVar:

NM_020800.3(IFT80):c.680C>T (p.Pro227Leu)

Genes: IFT80 (intraflagellar transport 80; minus strand), TRIM59-IFT80 (TRIM59-IFT80 readthrough (NMD candidate); minus strand). Cytogenetic location: 3q25.33.
Variant type: single nucleotide variant.
Coding change: c.680C>T on transcript NM_020800.3 (MANE Select); coding-DNA position 680, C replaced by T.
Protein change: p.Pro227Leu; replaces proline 227 with leucine.
Molecular consequence: missense variant. On other transcripts: non-coding transcript variant (3).
Genome position (GRCh38, 1-based): chr3:160,356,110, G>A on the plus strand (C>T on the coding strand, the complement: IFT80 is on the minus strand). VCF-style: chr3-160356110-G-A. GRCh37 (hg19) VCF-style: chr3-160073898-G-A.
Other names: c.269C>T, p.Pro90Leu (NM_001190241.2, NM_001190242.2); short protein forms P227L, P90L.
Identifiers: ClinVar variation 1424901 (VCV001424901.7), dbSNP rs764107423, ClinGen allele CA2685396.

ClinVar aggregate classification (germline): Uncertain significance (1 of 4 stars; one submission).

Conditions:
Jeune thoracic dystrophy. Also called: Jeune syndrome; Infantile thoracic dystrophy; Thoracic pelvic phalangeal dystrophy; Jeune's syndrome; Chondroectodermal dysplasia-like syndrome; Short-rib thoracic dysplasia. Identifiers: Orphanet 474, MedGen C0265275, MONDO:0018770.

Allele frequency attached by ClinVar (database versions not stated): gnomAD exomes below 0.00001; ExAC 0.00001; gnomAD 0.00001; TOPMed 0.00001.
gnomAD v4.1: 6 of 1,614,000 alleles (0.00037%); highest among the groups gnomAD compares: Admixed American, 0.0017%; no homozygotes.

Submission:

Labcorp Genetics (formerly Invitae), Labcorp
Classification: Uncertain significance for Jeune thoracic dystrophy. Last evaluated: 2024-02-26. Review status: criteria provided, single submitter. Criteria: Invitae Variant Classification Sherloc (09022015). Collection method: clinical testing. Allele origin: germline.
Comment: This sequence change replaces proline, which is neutral and non-polar, with leucine, which is neutral and non-polar, at codon 227 of the IFT80 protein (p.Pro227Leu). This variant is present in population databases (rs764107423, gnomAD 0.003%). This variant has not been reported in the literature in individuals affected with IFT80-related conditions. ClinVar contains an entry for this variant (Variation ID: 1424901). Advanced modeling of protein sequence and biophysical properties (such as structural, functional, and spatial information, amino acid conservation, physicochemical variation, residue mobility, and thermodynamic stability) performed at Invitae indicates that this missense variant is not expected to disrupt IFT80 protein function with a negative predictive value of 80%. In summary, the available evidence is currently insufficient to determine the role of this variant in disease. Therefore, it has been classified as a Variant of Uncertain Significance.